The following is an entry in ClinVar:

NM_001034853.2(RPGR):c.87A>G (p.Lys29=)

Gene: RPGR (retinitis pigmentosa GTPase regulator; minus strand). Cytogenetic location: Xp11.4.
Variant type: single nucleotide variant.
Coding change: c.87A>G on transcript NM_001034853.2 (MANE Select); coding-DNA position 87, A replaced by G.
Protein change: p.Lys29=; no amino-acid change (lysine 29 retained).
Molecular consequence: synonymous variant. On other transcripts: non-coding transcript variant (6).
Genome position (GRCh38, 1-based): chrX:38,323,466, T>C on the plus strand (A>G on the coding strand, the complement: RPGR is on the minus strand). VCF-style: chrX-38323466-T-C. GRCh37 (hg19) VCF-style: chrX-38182719-T-C.
Other names: c.87A>G, p.Lys29= (NM_000328.3, NM_001367245.1, NM_001367246.1 and 4 more transcripts); c.117A>G, p.Lys39= (NM_001367248.1).
Identifiers: ClinVar variation 1764700 (VCV001764700.4), dbSNP rs2519912391, ClinGen allele CA515652009.
Genomic context (GRCh38, chrX:38,323,466, plus strand): 5'-AACAGCAGAATGTTCATCTCCACATGAAAGATGTACAGGGACATCATTTTTAAACCAGAA[T>C]TTACCGGGATTATTTTCAGCAAATTTACTTTTCCCAAATGTAAACACAGCACCCGAATCT-3'
Protein context (NP_001030025.1, residues 19-39): KSKFAENNPG[Lys29=]FWFKNDVPVH

ClinVar aggregate classification (germline): Uncertain significance. Review status: criteria provided, multiple submitters, no conflicts (2 of 4 stars). 2 submissions from 2 submitters: Uncertain significance (2). Last evaluated 2025-10-20.

Conditions:
Primary ciliary dyskinesia. Also called: Ciliary dyskinesia. Identifiers: Orphanet 244, MedGen C0008780, MONDO:0016575, HP:0012265.

Submissions (2):

Labcorp Genetics (formerly Invitae), Labcorp
Classification: Uncertain significance for Primary ciliary dyskinesia. Last evaluated: 2025-10-20. Review status: criteria provided, single submitter. Criteria: Invitae Variant Classification Sherloc (09022015). Collection method: clinical testing. Allele origin: germline.
Comment: This sequence change affects codon 29 of the RPGR mRNA. It is a 'silent' change, meaning that it does not change the encoded amino acid sequence of the RPGR protein. This variant is not present in population databases (gnomAD no frequency). This variant has not been reported in the literature in individuals affected with RPGR-related conditions. ClinVar contains an entry for this variant (Variation ID: 1764700). Algorithms developed to predict the effect of sequence changes on RNA splicing suggest that this variant may disrupt the consensus splice site. In summary, the available evidence is currently insufficient to determine the role of this variant in disease. Therefore, it has been classified as a Variant of Uncertain Significance.

Ambry Genetics
Classification: Uncertain significance for Primary ciliary dyskinesia. Last evaluated: 2022-08-02. Review status: criteria provided, single submitter. Criteria: Ambry Variant Classification Scheme 2023. Collection method: clinical testing. Allele origin: germline.
Comment: The c.87A>G variant (also known as p.K29K) is located in coding exon 2 of the RPGR gene. This variant results from an A to G substitution at nucleotide position 87. This nucleotide substitution does not change the lysine at codon 29. This nucleotide position is not well conserved in available vertebrate species. In silico splice site analysis predicts that this alteration will result in the creation or strengthening of a novel splice donor site. Since supporting evidence is limited at this time, the clinical significance of this alteration remains unclear.